The following is an entry in ClinVar:

NM_015450.3(POT1):c.649A>G (p.Thr217Ala)

Gene: POT1 (protection of telomeres 1; minus strand). Cytogenetic location: 7q31.33.
Variant type: single nucleotide variant.
Coding change: c.649A>G on transcript NM_015450.3 (MANE Select); coding-DNA position 649, A replaced by G.
Protein change: p.Thr217Ala; replaces threonine 217 with alanine.
Molecular consequence: missense variant. On other transcripts: non-coding transcript variant (3).
Genome position (GRCh38, 1-based): chr7:124,859,010, T>C on the plus strand (A>G on the coding strand, the complement: POT1 is on the minus strand). VCF-style: chr7-124859010-T-C. GRCh37 (hg19) VCF-style: chr7-124499064-T-C.
Other names: c.256A>G, p.Thr86Ala (NM_001042594.2); c.649A>G (NM_015450.2); short protein forms T86A, T217A.
Identifiers: ClinVar variation 1422095 (VCV001422095.7), dbSNP rs1795516265, ClinGen allele CA369056241.

ClinVar aggregate classification (germline): Uncertain significance. Review status: criteria provided, multiple submitters, no conflicts (2 of 4 stars). 2 submissions from 2 submitters: Uncertain significance (2). Last evaluated 2025-05-13.

Conditions:
Tumor predisposition syndrome 3 (TPDS3). Also called: LONG TELOMERE SYNDROME, POT1-RELATED; POT1 Tumor Predisposition; Glioma susceptibility 9; Melanoma, cutaneous malignant, susceptibility to, 10. Identifiers: Orphanet 618, MedGen C4014476, MONDO:0014368, OMIM 615848.
Hereditary cancer-predisposing syndrome. Also called: Hereditary Cancer Syndrome; Neoplastic Syndromes, Hereditary; Hereditary neoplastic syndrome; Tumor predisposition. Identifiers: Orphanet 140162, MedGen C0027672, MeSH D009386, MONDO:0015356.

Allele frequency attached by ClinVar (database versions not stated): TOPMed below 0.00001.

Submissions (2):

Labcorp Genetics (formerly Invitae), Labcorp
Classification: Uncertain significance for Tumor predisposition syndrome 3. Last evaluated: 2025-05-13. Review status: criteria provided, single submitter. Criteria: Invitae Variant Classification Sherloc (09022015). Collection method: clinical testing. Allele origin: germline.
Comment: This sequence change replaces threonine, which is neutral and polar, with alanine, which is neutral and non-polar, at codon 217 of the POT1 protein (p.Thr217Ala). This variant is not present in population databases (gnomAD no frequency). This variant has not been reported in the literature in individuals affected with POT1-related conditions. ClinVar contains an entry for this variant (Variation ID: 1422095). Invitae Evidence Modeling of protein sequence and biophysical properties (such as structural, functional, and spatial information, amino acid conservation, physicochemical variation, residue mobility, and thermodynamic stability) indicates that this missense variant is not expected to disrupt POT1 protein function with a negative predictive value of 80%. In summary, the available evidence is currently insufficient to determine the role of this variant in disease. Therefore, it has been classified as a Variant of Uncertain Significance.

Ambry Genetics
Classification: Uncertain significance for Hereditary cancer-predisposing syndrome. Last evaluated: 2024-05-12. Review status: criteria provided, single submitter. Criteria: Ambry Variant Classification Scheme 2023. Collection method: clinical testing. Allele origin: germline.
Comment: The p.T217A variant (also known as c.649A>G), located in coding exon 5 of the POT1 gene, results from an A to G substitution at nucleotide position 649. The threonine at codon 217 is replaced by alanine, an amino acid with similar properties. This amino acid position is conserved. In addition, this alteration is predicted to be tolerated by in silico analysis. Based on the available evidence, the clinical significance of this variant remains unclear.